The following is an entry in ClinVar:

ClinVar aggregate classification (germline): Uncertain significance (1 of 4 stars; one submission).

Allele frequency attached by ClinVar (database versions not stated): gnomAD 0.00001.
gnomAD v4.1: 2 of 1,551,380 alleles (0.00013%); highest among the groups gnomAD compares: African/African-American, 0.0014%; no homozygotes.

Submission:

CeGaT Center for Human Genetics Tuebingen
Classification: Uncertain significance. Last evaluated: 2023-09-01. Review status: criteria provided, single submitter. Criteria: CeGaT Center For Human Genetics Tuebingen Variant Classification Criteria Version 2. Collection method: clinical testing. Allele origin: germline. Affected: yes. Observed: 1 variant allele.
Comment: GREB1L: PM2, BP4

NM_001142966.3(GREB1L):c.5175T>C (p.Ser1725=)

Gene: GREB1L (GREB1 like retinoic acid receptor coactivator; plus strand). Cytogenetic location: 18q11.2.
Variant type: single nucleotide variant.
Coding change: c.5175T>C on transcript NM_001142966.3 (MANE Select); coding-DNA position 5175, T replaced by C.
Protein change: p.Ser1725=; no amino-acid change (serine 1725 retained).
Molecular consequence: synonymous variant.
Genome position (GRCh38, 1-based): chr18:21,516,658, T>C. VCF-style: chr18-21516658-T-C. GRCh37 (hg19) VCF-style: chr18-19096619-T-C.
Other names: c.5304T>C, p.Ser1768= (NM_001410867.1); c.4848T>C, p.Ser1616= (NM_001410868.1).
Identifiers: ClinVar variation 2648613 (VCV002648613.24), dbSNP rs2037427949, ClinGen allele CA503286133.
Genomic context (GRCh38, chr18:21,516,658, plus strand): 5'-GTGGTTACAATTTAGGTATTTCTGTGAAGATGCTGACTTTAATCTGAGAACAAACAGTAG[T>C]GGCCTGCTCATCTGCCGCTTTAATAACTTCAGTCTCATGAAGAAACATGTTCAGGTTGGA-3'
Protein context (NP_001136438.1, residues 1715-1735): DADFNLRTNS[Ser1725=]GLLICRFNNF